The following is an entry in ClinVar:

ClinVar aggregate classification (germline): Uncertain significance (1 of 4 stars; one submission).

Conditions:
Encephalopathy, acute, infection-induced (herpes-specific), susceptibility to, 1. Also called: Herpes simplex encephalitis, susceptibility to, 1. Identifiers: Orphanet 1930, MedGen C2750180, MONDO:0024563, OMIM 610551.

Submission:

Labcorp Genetics (formerly Invitae), Labcorp
Classification: Uncertain significance for Encephalopathy, acute, infection-induced (herpes-specific), susceptibility to, 1. Last evaluated: 2020-02-26. Review status: criteria provided, single submitter. Criteria: Invitae Variant Classification Sherloc (09022015). Collection method: clinical testing. Allele origin: germline.
Comment: This variant has not been reported in the literature in individuals with TLR3-related conditions. This sequence change replaces threonine with isoleucine at codon 274 of the TLR3 protein (p.Thr274Ile). The threonine residue is highly conserved and there is a moderate physicochemical difference between threonine and isoleucine. This variant is not present in population databases (ExAC no frequency). Algorithms developed to predict the effect of missense changes on protein structure and function are either unavailable or do not agree on the potential impact of this missense change (SIFT: "Deleterious"; PolyPhen-2: "Probably Damaging"; Align-GVGD: "Class C0"). In summary, the available evidence is currently insufficient to determine the role of this variant in disease. Therefore, it has been classified as a Variant of Uncertain Significance.

NM_003265.3(TLR3):c.821C>T (p.Thr274Ile)

Gene: TLR3 (toll like receptor 3; plus strand). Cytogenetic location: 4q35.1.
Variant type: single nucleotide variant.
Coding change: c.821C>T on transcript NM_003265.3 (MANE Select); coding-DNA position 821, C replaced by T.
Protein change: p.Thr274Ile; replaces threonine 274 with isoleucine.
Molecular consequence: missense variant.
Genome position (GRCh38, 1-based): chr4:186,082,507, C>T. VCF-style: chr4-186082507-C-T. GRCh37 (hg19) VCF-style: chr4-187003661-C-T.
Other names: short protein forms T274I.
Identifiers: ClinVar variation 1052373 (VCV001052373.9), dbSNP rs2150067701, ClinGen allele CA358929720.